The following is an entry in ClinVar:

ClinVar aggregate classification (germline): Uncertain significance (1 of 4 stars; one submission).

gnomAD v4.1: 1 of 1,614,118 alleles (0.000062%); highest among the groups gnomAD compares: Non-Finnish European, 0.000085%; no homozygotes.

Submission:

GeneDx
Classification: Uncertain significance. Last evaluated: 2026-04-09. Review status: criteria provided, single submitter. Criteria: GeneDx Variant Classification Process June 2021. Collection method: clinical testing. Allele origin: germline.
Comment: Not observed at significant frequency in large population cohorts (gnomAD); In silico analysis suggests that this missense variant does not alter protein structure/function; Has not been previously published as pathogenic or benign to our knowledge

NM_016312.3(WBP11):c.1678G>T (p.Ala560Ser)

Gene: WBP11 (WW domain binding protein 11; minus strand). Cytogenetic location: 12p12.3.
Variant type: single nucleotide variant.
Coding change: c.1678G>T on transcript NM_016312.3 (MANE Select); coding-DNA position 1678, G replaced by T.
Protein change: p.Ala560Ser; replaces alanine 560 with serine.
Molecular consequence: missense variant.
Genome position (GRCh38, 1-based): chr12:14,787,313, C>A on the plus strand (G>T on the coding strand, the complement: WBP11 is on the minus strand). VCF-style: chr12-14787313-C-A. GRCh37 (hg19) VCF-style: chr12-14940247-C-A.
Other names: short protein forms A560S.
Identifiers: ClinVar variation 5018389 (VCV005018389.1).